The following is an entry in ClinVar:

NM_000081.4(LYST):c.-7-14T>C

Gene: LYST (lysosomal trafficking regulator; minus strand). Cytogenetic location: 1q42.3.
Variant type: single nucleotide variant.
Coding change: c.-7-14T>C on transcript NM_000081.4 (MANE Select); 14 bases into the intron before 7 bases upstream of the start codon, T replaced by C.
Molecular consequence: intron variant.
Genome position (GRCh38, 1-based): chr1:235,830,438, A>G on the plus strand (T>C on the coding strand, the complement: LYST is on the minus strand). VCF-style: chr1-235830438-A-G. GRCh37 (hg19) VCF-style: chr1-235993738-A-G.
Other names: c.-7-14T>C (NM_001301365.1).
Identifiers: ClinVar variation 296439 (VCV000296439.5), dbSNP rs145200338, ClinGen allele CA1467765.

ClinVar aggregate classification (germline): Likely benign (1 of 4 stars; one submission).

Conditions:
Chédiak-Higashi syndrome (CHS). Also called: Chediak-Higashi Syndrome. Identifiers: Orphanet 167, MedGen C0007965, MONDO:0008963, OMIM 214500.

Allele frequency attached by ClinVar (database versions not stated): gnomAD exomes 0.00015; ExAC 0.00075; gnomAD 0.00194; TOPMed 0.00223; 1000 Genomes Project 30x 0.00234; ESP Exome Variant Server 0.00239; 1000 Genomes Project 0.00260.
gnomAD v4.1: 518 of 1,561,834 alleles (0.033%); highest among the groups gnomAD compares: African/African-American, 0.65%; 3 homozygotes.

Submission:

Illumina Laboratory Services, Illumina
Classification: Likely benign for Chédiak-Higashi syndrome. Last evaluated: 2018-01-13. Review status: criteria provided, single submitter. Criteria: ICSL Variant Classification Criteria 13 December 2019. Collection method: clinical testing. Allele origin: germline.
Comment: This variant was observed in the ICSL laboratory as part of a predisposition screen in an ostensibly healthy population. It had not been previously curated by ICSL or reported in the Human Gene Mutation Database (HGMD: prior to June 1st, 2018), and was therefore a candidate for classification through an automated scoring system. Utilizing variant allele frequency, disease prevalence and penetrance estimates, and inheritance mode, an automated score was calculated to assess if this variant is too frequent to cause the disease. Based on the score and internal cut-off values, a variant classified as likely benign is not then subjected to further curation. The score for this variant resulted in a classification of likely benign for this disease.